The following is an entry in ClinVar:

NM_000535.7(PMS2):c.1443C>T (p.Pro481=)

Gene: PMS2 (PMS1 homolog 2, mismatch repair system component; minus strand). Cytogenetic location: 7p22.1.
Variant type: single nucleotide variant.
Coding change: c.1443C>T on transcript NM_000535.7 (MANE Select); coding-DNA position 1443, C replaced by T.
Protein change: p.Pro481=; no amino-acid change (proline 481 retained).
Molecular consequence: synonymous variant. On other transcripts: non-coding transcript variant (1), intron variant (1).
Genome position (GRCh38, 1-based): chr7:5,987,322, G>A on the plus strand (C>T on the coding strand, the complement: PMS2 is on the minus strand). VCF-style: chr7-5987322-G-A. GRCh37 (hg19) VCF-style: chr7-6026953-G-A.
Other names: c.1134C>T, p.Pro378= (NM_001322015.2, NM_001406875.1, NM_001406877.1 and 5 more transcripts); c.1629C>T, p.Pro543= (NM_001406866.1); c.1467C>T, p.Pro489= (NM_001406868.1); c.1335C>T, p.Pro445= (NM_001406869.1); c.1287C>T, p.Pro429= (NM_001406870.1, NM_001322006.2); c.1443C>T, p.Pro481= (NM_001406871.1, NM_001406872.1, NM_001322014.2); c.1245C>T, p.Pro415= (NM_001406873.1); c.1275C>T, p.Pro425= (NM_001406874.1); and 13 more.
Identifiers: ClinVar variation 2774134 (VCV002774134.16), dbSNP rs2128730531, ClinGen allele CA453746364.

ClinVar aggregate classification (germline): Likely benign. Review status: criteria provided, multiple submitters, no conflicts (2 of 4 stars). 3 submissions from 3 submitters: Likely benign (3). Last evaluated 2024-12-01.

Conditions:
Hereditary cancer-predisposing syndrome. Also called: Hereditary neoplastic syndrome; Neoplastic Syndromes, Hereditary; Tumor predisposition; Hereditary Cancer Syndrome. Identifiers: Orphanet 140162, MedGen C0027672, MeSH D009386, MONDO:0015356.

Allele frequency attached by ClinVar (database versions not stated): gnomAD exomes below 0.00001.
gnomAD v4.1: 1 of 1,614,124 alleles (0.000062%); highest among the groups gnomAD compares: Non-Finnish European, 0.000085%; no homozygotes.

Submissions (3):

CeGaT Center for Human Genetics Tuebingen
Classification: Likely benign. Last evaluated: 2024-12-01. Review status: criteria provided, single submitter. Criteria: CeGaT Center For Human Genetics Tuebingen Variant Classification Criteria Version 2. Collection method: clinical testing. Allele origin: germline. Affected: yes. Observed: 1 variant allele.
Comment: PMS2: BP4, BP7

Ambry Genetics
Classification: Likely benign for Hereditary cancer-predisposing syndrome. Last evaluated: 2024-10-30. Review status: criteria provided, single submitter. Criteria: Ambry Variant Classification Scheme 2023. Collection method: clinical testing. Allele origin: germline.

Color Diagnostics, LLC DBA Color Health
Classification: Likely benign for Hereditary cancer-predisposing syndrome. Last evaluated: 2021-08-09. Review status: criteria provided, single submitter. Criteria: ACMG Guidelines, 2015. Collection method: clinical testing. Allele origin: germline.